The following is an entry in ClinVar:

NM_052867.4(NALCN):c.768A>C (p.Gln256His)

Gene: NALCN (sodium leak channel, non-selective; minus strand). Cytogenetic location: 13q33.1.
Variant type: single nucleotide variant.
Coding change: c.768A>C on transcript NM_052867.4 (MANE Select); coding-DNA position 768, A replaced by C.
Protein change: p.Gln256His; replaces glutamine 256 with histidine.
Molecular consequence: missense variant.
Genome position (GRCh38, 1-based): chr13:101,345,297, T>G on the plus strand (A>C on the coding strand, the complement: NALCN is on the minus strand). VCF-style: chr13-101345297-T-G. GRCh37 (hg19) VCF-style: chr13-101997648-T-G.
Other names: c.768A>C, p.Gln256His (NM_001350748.2, NM_001350749.2, NM_001350750.2 and 1 more transcripts); short protein forms Q256H.
Identifiers: ClinVar variation 1719896 (VCV001719896.5), dbSNP rs1352373631, ClinGen allele CA388707512.
Genomic context (GRCh38, chr13:101,345,297, plus strand): 5'-TTAAAACGTATTTTACCAGTAAGACAGACCTATCTCATTAAAGCCACTGTAGCCCAGCTC[T>G]TGCCTGCTAAGTCCCAGATCTTCAAGGTCCATGCATTTAAATCCAGGTGGGCACTGGTAG-3'
Protein context (NP_443099.1, residues 246-266): MDLEDLGLSR[Gln256His]ELGYSGFNEI

ClinVar aggregate classification (germline): Uncertain significance (1 of 4 stars; one submission).

Allele frequency attached by ClinVar (database versions not stated): TOPMed below 0.00001.
gnomAD v4.1: 1 of 1,613,734 alleles (0.000062%); highest among the groups gnomAD compares: Non-Finnish European, 0.000085%; no homozygotes.

Submission:

Labcorp Genetics (formerly Invitae), Labcorp
Classification: Uncertain significance. Last evaluated: 2022-09-20. Review status: criteria provided, single submitter. Criteria: Invitae Variant Classification Sherloc (09022015). Collection method: clinical testing. Allele origin: germline.
Comment: In summary, the available evidence is currently insufficient to determine the role of this variant in disease. Therefore, it has been classified as a Variant of Uncertain Significance. Algorithms developed to predict the effect of sequence changes on RNA splicing suggest that this variant may disrupt the consensus splice site. Advanced modeling of protein sequence and biophysical properties (such as structural, functional, and spatial information, amino acid conservation, physicochemical variation, residue mobility, and thermodynamic stability) performed at Invitae indicates that this missense variant is not expected to disrupt NALCN protein function. This variant has not been reported in the literature in individuals affected with NALCN-related conditions. This variant is not present in population databases (gnomAD no frequency). This sequence change replaces glutamine, which is neutral and polar, with histidine, which is basic and polar, at codon 256 of the NALCN protein (p.Gln256His).